The following is an entry in ClinVar:

ClinVar aggregate classification (germline): Uncertain significance. Review status: criteria provided, multiple submitters, no conflicts (2 of 4 stars). 3 submissions from 3 submitters: Uncertain significance (3). Last evaluated 2024-12-30.

Conditions:
Inborn genetic diseases. Identifiers: MedGen C0950123, MeSH D030342.
Nephronophthisis. Also called: Juvenile Nephronophthisis. Identifiers: Orphanet 655, MedGen C0687120, MONDO:0019005, HP:0000090.
Renal-hepatic-pancreatic dysplasia 1 (RHPD1). Identifiers: MedGen C3715199, MONDO:0008833, OMIM 208540.
Nephronophthisis 3 (NPHP3). Also called: Adolescent nephronophthisis. Identifiers: Orphanet 655, MedGen C1858392, MONDO:0011456, OMIM 604387.
NPHP3-related Meckel-like syndrome. Also called: Meckel syndrome type 7; GOLDSTON SYNDROME. Identifiers: Orphanet 3032, MedGen C2673885, MONDO:0009966, OMIM 267010.

Allele frequency attached by ClinVar (database versions not stated): gnomAD 0.00001; gnomAD exomes 0.00001; TOPMed 0.00001.
gnomAD v4.1: 16 of 1,613,822 alleles (0.00099%); highest among the groups gnomAD compares: Admixed American, 0.0033%; no homozygotes.

Submissions (3):

Labcorp Genetics (formerly Invitae), Labcorp
Classification: Uncertain significance for Nephronophthisis. Last evaluated: 2024-12-30. Review status: criteria provided, single submitter. Criteria: Invitae Variant Classification Sherloc (09022015). Collection method: clinical testing. Allele origin: germline.
Comment: This sequence change replaces asparagine, which is neutral and polar, with serine, which is neutral and polar, at codon 1097 of the NPHP3 protein (p.Asn1097Ser). The frequency data for this variant in the population databases is considered unreliable, as metrics indicate poor data quality at this position in the gnomAD database. This variant has not been reported in the literature in individuals affected with NPHP3-related conditions. ClinVar contains an entry for this variant (Variation ID: 1497093). Invitae Evidence Modeling of protein sequence and biophysical properties (such as structural, functional, and spatial information, amino acid conservation, physicochemical variation, residue mobility, and thermodynamic stability) indicates that this missense variant is not expected to disrupt NPHP3 protein function with a negative predictive value of 80%. In summary, the available evidence is currently insufficient to determine the role of this variant in disease. Therefore, it has been classified as a Variant of Uncertain Significance.

Ambry Genetics
Classification: Uncertain significance for Inborn genetic diseases. Last evaluated: 2023-05-24. Review status: criteria provided, single submitter. Criteria: Ambry Variant Classification Scheme 2023. Collection method: clinical testing. Allele origin: germline.

Fulgent Genetics
Classification: Uncertain significance for Renal-hepatic-pancreatic dysplasia 1; NPHP3-related Meckel-like syndrome; Nephronophthisis 3. Last evaluated: 2022-04-11. Review status: criteria provided, single submitter. Criteria: ACMG Guidelines, 2015. Collection method: clinical testing. Allele origin: unknown.

NM_153240.5(NPHP3):c.3290A>G (p.Asn1097Ser)

Genes: NPHP3 (nephrocystin 3; minus strand), NPHP3-ACAD11 (NPHP3-ACAD11 readthrough (NMD candidate); minus strand). Cytogenetic location: 3q22.1.
Variant type: single nucleotide variant.
Coding change: c.3290A>G on transcript NM_153240.5 (MANE Select); coding-DNA position 3290, A replaced by G.
Protein change: p.Asn1097Ser; replaces asparagine 1097 with serine.
Molecular consequence: missense variant. On other transcripts: non-coding transcript variant (1).
Genome position (GRCh38, 1-based): chr3:132,686,299, T>C on the plus strand (A>G on the coding strand, the complement: NPHP3 is on the minus strand). VCF-style: chr3-132686299-T-C. GRCh37 (hg19) VCF-style: chr3-132405143-T-C.
Other names: c.3290A>G (NM_153240.4); short protein forms N1097S.
Identifiers: ClinVar variation 1497093 (VCV001497093.10), dbSNP rs1157229330, ClinGen allele CA354579336.
Genomic context (GRCh38, chr3:132,686,299, plus strand): 5'-TATTAACCCCATGGTACTCACTCCAGGTTATTTTGAAGATAGTAGAGAACACCCAGTTCA[T>C]TGAGGGTCCGAGCATTATCAGGTGTGTCCTTACCTAATGTAAGCTCTTCTAACTGTAAAG-3'
Protein context (NP_694972.3, residues 1087-1107): KDTPDNARTL[Asn1097Ser]ELGVLYYLQN